The following is an entry in ClinVar:

ClinVar aggregate classification (germline): Pathogenic (1 of 4 stars; one submission).

Submission:

Labcorp Genetics (formerly Invitae), Labcorp
Classification: Pathogenic. Last evaluated: 2025-02-04. Review status: criteria provided, single submitter. Criteria: Invitae Variant Classification Sherloc (09022015). Collection method: clinical testing. Allele origin: germline.
Comment: This sequence change creates a premature translational stop signal (p.Ala125Leufs*12) in the MAMLD1 gene. It is expected to result in an absent or disrupted protein product. Loss-of-function variants in MAMLD1 are known to be pathogenic (PMID: 22479329, 27899157). This variant is not present in population databases (gnomAD no frequency). This variant has not been reported in the literature in individuals affected with MAMLD1-related conditions. For these reasons, this variant has been classified as Pathogenic.

Literature cited by the submitters: PubMed 22479329; PubMed 27899157.

NM_005491.5(MAMLD1):c.373del (p.Ala125fs)

Gene: MAMLD1 (mastermind like domain containing 1; plus strand). Cytogenetic location: Xq28.
Variant type: Deletion.
Coding change: c.373del on transcript NM_005491.5 (MANE Select); coding-DNA position 373, one base deleted (G; older notation c.373delG).
Protein change: p.Ala125fs; shifts the reading frame from alanine 125.
Molecular consequence: frameshift variant.
Genome position (GRCh38, 1-based): chrX:150,469,946, G deleted; the last of 2 consecutive G bases (chrX:150,469,945-150,469,946); deleting either gives the same sequence. VCF-style (leftmost placement, unchanged base first): chrX-150469944-TG-T. GRCh37 (hg19) VCF-style: chrX-149638216-TG-T.
Other names: c.298del, p.Ala100fs (NM_001177465.3, NM_001177466.3, NM_001400514.1); c.373del, p.Ala125fs (NM_001400512.1, NM_001400513.1, NM_001400515.1); short protein forms A125fs, A100fs.
Identifiers: ClinVar variation 4712382 (VCV004712382.1).